The following continues an entry in ClinVar:

NM_000059.4(BRCA2):c.7522G>A (p.Gly2508Ser)

Gene: BRCA2. ClinVar aggregate classification (germline): Conflicting classifications of pathogenicity. Uncertain significance (9); Benign (2); Likely benign (6).

Submissions 7 to 21 of 23:

Women's Health and Genetics/Laboratory Corporation of America, LabCorp
Classification: Likely benign. Last evaluated: 2022-06-20. Review status: criteria provided, single submitter. Criteria: LabCorp Variant Classification Summary - May 2015. Collection method: clinical testing. Allele origin: germline.
Comment: Variant summary: BRCA2 c.7522G>A (p.Gly2508Ser) results in a non-conservative amino acid change located in the helical domain (IPR015252) of the encoded protein sequence. Five of five in-silico tools predict a damaging effect of the variant on protein function. The variant allele was found at a frequency of 0.0002 in 310330 control chromosomes, predominantly at a frequency of 0.0023 within the East Asian subpopulation in the gnomAD database. The observed variant frequency within East Asian control individuals in the gnomAD database is approximately 3-fold of the estimated maximal expected allele frequency for a pathogenic variant in BRCA2 causing Hereditary Breast and Ovarian Cancer Syndrome (HBOC) phenotype (0.00075), strongly suggesting that the variant is a benign polymorphism found primarily in populations of East Asian origin. The variant, c.7522G>A, has been reported in the literature in numerous individuals affected with tumors that belong to the HBOC spectrum, however it was also found in several healthy controls. These reports do not provide unequivocal conclusions about association of the variant with Hereditary Breast and Ovarian Cancer Syndrome. Co-occurrences with other pathogenic variants have been reported (BRCA2 c.8340_8343delTAAC (p.Asn2781ValfsX39) in the BIC database and BRCA1 c.3627dupA (p.Glu1210Argfs) in Lim_2009), providing supporting evidence for a benign role. A large case-control study involving breast cancer patients and controls of Asian ancestry (Han_2017), found an enrichment of this variant in cases (OR: 3.02 (95%CI: 1.69-5.39), p-value: 0.000123). However, an other case-control association study, involving breast cancer patients and controls of Japanese ancestry (Momozawa_2018), did not demonstrate significant increase in breast/ovarian cancer risk (i.e. the variant was identified in 5/7051 female cases, and 6/11241 female controls; OR: 1.3 (95%CI: 0.3-5.2)). A further study, involving Korean breast cancer patients, where multifactorial probability was estimated by performing systematic assessments of variants of unknown significance in the BRCA genes (which included analysis of co-occurrence with known deleterious mutations, personal and family history of cancer and tumor pathology), predicted this variant to be likely pathogenic, although the variant was interpreted as likely benign when applying the ACMG/AMP guidelines (Lee_2018). Several publications reported experimental evidence evaluating an impact on protein function, and demonstrated a mild impact on BRCA2 function, representing an activity comparable to wild-type, or a somewhat hypomorphic allele (e.g. Shimelis_2017, Mesman_2018, Guidugli_2018, Ikegami_2020). Eleven other clinical diagnostic laboratories have submitted clinical-significance assessments for this variant to ClinVar after 2014 without evidence for independent evaluation. Multiple laboratories reported the variant with conflicting assessments (VUS, n=6, likely benign, n=3 or benign, n=2). Based on the evidence outlined above, the variant was classified as likely benign.

Sema4
Classification: Uncertain significance for Hereditary cancer-predisposing syndrome. Last evaluated: 2021-12-05. Review status: criteria provided, single submitter. Criteria: Sema4 Curation Guidelines. Collection method: curation. Allele origin: germline.
Comment: The BRCA2 c.7522G>A (p.G2508S) variant has been reported in several individuals with breast and/or ovarian cancer, thyroid cancer, prostate cancer, and esophageal squamous cell carcinoma (PMID: 19499246, 14973102, 26221963, 22126563, 27658390, 26402875, 28111427, 27701467). However, it was also reported in controls (PMID: 14973102, 24728327, 27157322). Case-control studies have reported the variant to be significantly associated with breast cancer with an OR range of 1.3-16.5 in Asian individuals (PMID: 24470074, 28283652, 28419251) while other studies did not find any significant difference between cases and controls (PMID 30415210, 33471991). In silico tools suggest the impact of the variant on protein function is deleterious and functional studies demonstrated similar to normal or partially decreased protein function (PMID: 28283652, 32444794, 29988080, 29394989). It was observed in 45/19952 chromosomes of the East Asian subpopulation in the large and broad cohorts of the Genome Aggregation Database (PMID: 32461654). The variant has been reported in ClinVar (Variation ID 52347). The evidence is insufficient to meet ACMG/AMP criteria for classifying the variant as benign or pathogenic. Thus, the clinical significance of this variant is currently uncertain.

Mendelics
Classification: Benign for Breast-ovarian cancer, familial, susceptibility to, 2. Last evaluated: 2019-05-28. Review status: criteria provided, single submitter. Criteria: Mendelics Assertion Criteria 2017. Collection method: clinical testing. Allele origin: unknown.

Genetic Services Laboratory, University of Chicago
Classification: Uncertain significance. Last evaluated: 2018-11-08. Review status: criteria provided, single submitter. Criteria: ACMG Guidelines, 2015. Collection method: clinical testing. Allele origin: germline. Affected: no.

GeneDx
Classification: Likely benign. Last evaluated: 2017-12-07. Review status: criteria provided, single submitter. Criteria: GeneDx Variant Classification (06012015). Collection method: clinical testing. Allele origin: germline. Affected: yes.
Comment: This variant is considered likely benign or benign based on one or more of the following criteria: it is a conservative change, it occurs at a poorly conserved position in the protein, it is predicted to be benign by multiple in silico algorithms, and/or has population frequency not consistent with disease.

3DMed Clinical Laboratory Inc
Classification: Uncertain significance for Invasive Ductal Carcinoma, Not Otherwise Specified. Last evaluated: 2017-07-21. Review status: criteria provided, single submitter. Criteria: ACMG Guidelines, 2015. Collection method: clinical testing. Allele origin: germline. Affected: yes.

3DMed Clinical Laboratory Inc
Classification: Uncertain significance for Ovarian cancer. Last evaluated: 2017-07-21. Review status: criteria provided, single submitter. Criteria: ACMG Guidelines, 2015. Collection method: clinical testing. Allele origin: germline. Affected: yes.

3DMed Clinical Laboratory Inc
Classification: Uncertain significance for Cancer of the pancreas. Last evaluated: 2017-07-21. Review status: criteria provided, single submitter. Criteria: ACMG Guidelines, 2015. Collection method: clinical testing. Allele origin: germline. Affected: yes.

ARUP Laboratories, Molecular Genetics and Genomics, ARUP Laboratories
Classification: Uncertain significance. Last evaluated: 2016-12-06. Review status: criteria provided, single submitter. Criteria: ARUP Molecular Germline Variant Investigation Process. Collection method: clinical testing. Allele origin: germline.

Color Diagnostics, LLC DBA Color Health
Classification: Likely benign for Hereditary cancer-predisposing syndrome. Last evaluated: 2016-11-13. Review status: criteria provided, single submitter. Criteria: ACMG Guidelines, 2015. Collection method: clinical testing. Allele origin: germline.

Laboratory of Molecular Diagnosis of Cancer, West China Hospital, Sichuan University
Classification: Uncertain significance for Breast neoplasm. Last evaluated: 2015-11-01. Review status: criteria provided, single submitter. Criteria: ACMG Guidelines, 2015. Collection method: research. Allele origin: germline. Affected: yes. Observed: 2 variant alleles.

ITMI
No classification provided. Condition: AllHighlyPenetrant. Last evaluated: 2013-09-19. Review status: no classification provided. Collection method: reference population. Allele origin: germline. Not counted in ClinVar's aggregate classification.
Comment: Please see associated publication for description of ethnicities

Sharing Clinical Reports Project (SCRP)
Classification: Likely benign for Breast-ovarian cancer, familial 2. Last evaluated: 2008-10-07. Review status: no assertion criteria provided. Collection method: clinical testing. Allele origin: germline. Not counted in ClinVar's aggregate classification.

Breast Cancer Information Core (BIC) (BRCA2)
Classification: Uncertain significance for Breast-ovarian cancer, familial 2. Last evaluated: 2004-02-20. Review status: no assertion criteria provided. Collection method: clinical testing. Allele origin: germline. Affected: yes. Observed: 4 variant alleles. Not counted in ClinVar's aggregate classification.

Center for Precision Medicine, Meizhou People's Hospital
Classification: Uncertain significance for Familial cancer of breast. Review status: no assertion criteria provided. Collection method: literature only. Allele origin: germline. Affected: yes. Not counted in ClinVar's aggregate classification.